The following is an entry in ClinVar:

ClinVar aggregate classification (germline): Uncertain significance (1 of 4 stars; one submission).

Allele frequency attached by ClinVar (database versions not stated): gnomAD exomes below 0.00001; ExAC 0.00001; gnomAD 0.00001.
gnomAD v4.1: 8 of 1,613,794 alleles (0.0005%); highest among the groups gnomAD compares: Admixed American, 0.0017%; no homozygotes.

Submission:

Labcorp Genetics (formerly Invitae), Labcorp
Classification: Uncertain significance. Last evaluated: 2024-06-03. Review status: criteria provided, single submitter. Criteria: Invitae Variant Classification Sherloc (09022015). Collection method: clinical testing. Allele origin: germline.
Comment: This sequence change replaces proline, which is neutral and non-polar, with leucine, which is neutral and non-polar, at codon 1060 of the DIP2C protein (p.Pro1060Leu). This variant is present in population databases (rs759603687, gnomAD 0.003%). This missense change has been observed in individual(s) with autism (PMID: 35982160). An algorithm developed to predict the effect of missense changes on protein structure and function (PolyPhen-2) suggests that this variant is likely to be disruptive. In summary, the available evidence is currently insufficient to determine the role of this variant in disease. Therefore, it has been classified as a Variant of Uncertain Significance.

Literature cited by the submitters: PubMed 35982160.

NM_014974.3(DIP2C):c.3179C>T (p.Pro1060Leu)

Gene: DIP2C (DIP2 acetate--CoA ligase C (putative); minus strand). Cytogenetic location: 10p15.3.
Variant type: single nucleotide variant.
Coding change: c.3179C>T on transcript NM_014974.3 (MANE Select); coding-DNA position 3179, C replaced by T.
Protein change: p.Pro1060Leu; replaces proline 1060 with leucine.
Molecular consequence: missense variant.
Genome position (GRCh38, 1-based): chr10:348,693, G>A on the plus strand (C>T on the coding strand, the complement: DIP2C is on the minus strand). VCF-style: chr10-348693-G-A. GRCh37 (hg19) VCF-style: chr10-394633-G-A.
Other names: short protein forms P1060L.
Identifiers: ClinVar variation 2865120 (VCV002865120.3), dbSNP rs759603687, ClinGen allele CA5380091.
Genomic context (GRCh38, chr10:348,693, plus strand): 5'-CATGTTACCTCCACAATCATCTTGACGGTAGGCAACGTCGTCGCGATGTTCTGTGGGTGC[G>A]GGGGACGGACGGTTATTGGCACACAGCCTGCGTACAGGCAACCATAAAACGCTGCTATCA-3'
Protein context (NP_055789.1, residues 1050-1070): AGCVPITVRP[Pro1060Leu]HPQNIATTLP